The following is an entry in ClinVar:

NM_003072.5(SMARCA4):c.1420-3C>G

Gene: SMARCA4 (SWI/SNF related BAF chromatin remodeling complex subunit ATPase 4; plus strand). Cytogenetic location: 19p13.2.
Variant type: single nucleotide variant.
Coding change: c.1420-3C>G on transcript NM_003072.5 (MANE Select); 3 bases into the intron before coding-DNA position 1420, C replaced by G.
Molecular consequence: intron variant.
Genome position (GRCh38, 1-based): chr19:10,994,825, C>G. VCF-style: chr19-10994825-C-G. GRCh37 (hg19) VCF-style: chr19-11105501-C-G.
Other names: c.1420-3C>G (NM_001128844.3, NM_001128849.3, NM_001128847.4 and 5 more transcripts).
Identifiers: ClinVar variation 1039472 (VCV001039472.11), dbSNP rs777295398, ClinGen allele CA2322712117.

ClinVar aggregate classification (germline): Uncertain significance. Review status: criteria provided, multiple submitters, no conflicts (2 of 4 stars). 2 submissions from 2 submitters: Uncertain significance (2). Last evaluated 2021-09-17.

Conditions:
Hereditary cancer-predisposing syndrome. Also called: Neoplastic Syndromes, Hereditary; Hereditary Cancer Syndrome; Tumor predisposition; Hereditary neoplastic syndrome. Identifiers: Orphanet 140162, MedGen C0027672, MeSH D009386, MONDO:0015356.
Rhabdoid tumor predisposition syndrome 2 (RTPS2). Identifiers: Orphanet 231108, Orphanet 69077, MedGen C2750074, MONDO:0013224, OMIM 613325.

Submissions (2):

Ambry Genetics
Classification: Uncertain significance for Hereditary cancer-predisposing syndrome. Last evaluated: 2021-09-17. Review status: criteria provided, single submitter. Criteria: Ambry Variant Classification Scheme 2023. Collection method: clinical testing. Allele origin: germline.
Comment: The c.1420-3C>G intronic variant results from a C to G substitution 3 nucleotides upstream from coding exon 8 in the SMARCA4 gene. This nucleotide position is well conserved in available vertebrate species. In silico splice site analysis predicts that this alteration may result in the creation or strengthening of a novel splice acceptor site. Since supporting evidence is limited at this time, the clinical significance of this alteration remains unclear.

Labcorp Genetics (formerly Invitae), Labcorp
Classification: Uncertain significance for Rhabdoid tumor predisposition syndrome 2. Last evaluated: 2020-05-05. Review status: criteria provided, single submitter. Criteria: Invitae Variant Classification Sherloc (09022015). Collection method: clinical testing. Allele origin: germline.
Comment: In summary, the available evidence is currently insufficient to determine the role of this variant in disease. Therefore, it has been classified as a Variant of Uncertain Significance. Nucleotide substitutions within the consensus splice site are a relatively common cause of aberrant splicing (PMID: 17576681, 9536098). Algorithms developed to predict the effect of sequence changes on RNA splicing suggest that this variant may disrupt the consensus splice site, but this prediction has not been confirmed by published transcriptional studies. This variant has not been reported in the literature in individuals with SMARCA4-related conditions. This variant is not present in population databases (ExAC no frequency). This sequence change falls in intron 8 of the SMARCA4 gene. It does not directly change the encoded amino acid sequence of the SMARCA4 protein, but it affects a nucleotide within the consensus splice site of the intron.

Literature cited by the submitters: PubMed 17576681 (cited by Labcorp Genetics (formerly Invitae), Labcorp); PubMed 9536098 (cited by Labcorp Genetics (formerly Invitae), Labcorp).